The following is an entry in ClinVar:

ClinVar aggregate classification (germline): Likely pathogenic (0 of 4 stars; one submission).

Conditions:
Holoprosencephaly 12 with or without pancreatic agenesis. Identifiers: MedGen C5193131, MONDO:0032787, OMIM 618500.

Submission:

Solve-RD Consortium
Classification: Likely pathogenic for Holoprosencephaly 12 with or without pancreatic agenesis. Last evaluated: 2022-06-01. Review status: no assertion criteria provided. Collection method: provider interpretation. Allele origin: de novo. Affected: yes.
Comment: Variant confirmed as disease-causing by referring clinical team

Variant identified during reanalysis of unsolved cases by the Solve-RD project. The Solve-RD project has received funding from the European Union’s Horizon 2020 research and innovation programme under grant agreement No 779257.

Literature cited by the submitters: PubMed 39825153.

NM_016284.5(CNOT1):c.3634C>G (p.His1212Asp)

Gene: CNOT1 (CCR4-NOT transcription complex subunit 1; minus strand). Cytogenetic location: 16q21.
Variant type: single nucleotide variant.
Coding change: c.3634C>G on transcript NM_016284.5 (MANE Select); coding-DNA position 3634, C replaced by G.
Protein change: p.His1212Asp; replaces histidine 1212 with aspartic acid.
Molecular consequence: missense variant. On other transcripts: non-coding transcript variant (1).
Genome position (GRCh38, 1-based): chr16:58,547,571, G>C on the plus strand (C>G on the coding strand, the complement: CNOT1 is on the minus strand). VCF-style: chr16-58547571-G-C. GRCh37 (hg19) VCF-style: chr16-58581475-G-C.
Other names: c.3619C>G, p.His1207Asp (NM_001265612.2); c.3634C>G, p.His1212Asp (NM_206999.3); short protein forms H1207D, H1212D.
Identifiers: ClinVar variation 3256763 (VCV003256763.1).